The following is an entry in ClinVar:

NC_000013.10:g.(?_32936640)_(32937690_?)del

Gene: BRCA2 (BRCA2 DNA repair associated; plus strand). Cytogenetic location: 13q13.1.
Variant type: Deletion.
Identifiers: ClinVar variation 1070259 (VCV001070259.1).

ClinVar aggregate classification (germline): Pathogenic (1 of 4 stars; one submission).

Conditions:
Hereditary breast ovarian cancer syndrome. Also called: Breast and ovarian cancer; BRCA1- and BRCA2-Associated Hereditary Breast and Ovarian Cancer; Hereditary breast and ovarian cancer syndrome; Hereditary breast and/or ovarian cancer syndrome; Hereditary breast and ovarian cancer; Hereditary breast and ovarian cancer syndrome (HBOC). Identifiers: Orphanet 145, MedGen C0677776, MeSH D061325, MONDO:0003582. Disease mechanism: loss of function.

Submission:

Labcorp Genetics (formerly Invitae), Labcorp
Classification: Pathogenic for Hereditary breast ovarian cancer syndrome. Last evaluated: 2018-08-12. Review status: criteria provided, single submitter. Criteria: Invitae Variant Classification Sherloc (09022015). Collection method: clinical testing. Allele origin: germline.
Comment: This variant is an out-of-frame deletion of the genomic region encompassing exons 17-18 of the BRCA2 gene. This is expected to create a premature translational stop signal and result in an absent or disrupted protein product. Deletion of exons 17-18 has been reported in an individual affected with breast cancer (PMID: 16199546). Loss-of-function variants in BRCA2 are known to be pathogenic (PMID: 20104584). For these reasons, this variant has been classified as Pathogenic.

Literature cited by the submitters: PubMed 16199546; PubMed 20104584.